The following is an entry in ClinVar:

NM_004260.4(RECQL4):c.988G>A (p.Ala330Thr)

Gene: RECQL4 (RecQ like helicase 4; minus strand). Cytogenetic location: 8q24.3.
Variant type: single nucleotide variant.
Coding change: c.988G>A on transcript NM_004260.4 (MANE Select); coding-DNA position 988, G replaced by A.
Protein change: p.Ala330Thr; replaces alanine 330 with threonine.
Molecular consequence: missense variant.
Genome position (GRCh38, 1-based): chr8:144,516,131, C>T on the plus strand (G>A on the coding strand, the complement: RECQL4 is on the minus strand). VCF-style: chr8-144516131-C-T. GRCh37 (hg19) VCF-style: chr8-145741515-C-T.
Other names: c.988G>A (NM_004260.3); short protein forms A330T.
Identifiers: ClinVar variation 1019213 (VCV001019213.6), dbSNP rs757933716, ClinGen allele CA4949118.
Genomic context (GRCh38, chr8:144,516,131, plus strand): 5'-TGTCATGGCGGGCCAGCCGAGGGAAGATGTGCAGGGGGGCTGTGCCCTCAGCCTTCCCAG[C>T]CCTAGCTTGACTGGAGGGGCTGAGTCCGTGGTACCTGGGGTTCGATGGGCTGCTGCAGGG-3'
Protein context (NP_004251.4, residues 320-340): HGLSPSSQAR[Ala330Thr]GKAEGTAPLH

ClinVar aggregate classification (germline): Conflicting classifications of pathogenicity. Review status: criteria provided, conflicting classifications (1 of 4 stars). 2 submissions from 2 submitters: Uncertain significance (1); Benign (1). Last evaluated 2025-05-05.

Conditions:
Ovarian cancer. Also called: OVARIAN CANCER, SOMATIC. Identifiers: Orphanet 213500, MedGen C1140680, MONDO:0008170, OMIM 167000.
Baller-Gerold syndrome (BGS). Also called: CRANIOSYNOSTOSIS WITH RADIAL DEFECTS. Identifiers: Orphanet 1225, MedGen C0265308, MONDO:0009039, OMIM 218600.

Allele frequency attached by ClinVar (database versions not stated): gnomAD exomes below 0.00001 and 0.00001; ExAC 0.00001; gnomAD 0.00001; TOPMed 0.00001.
gnomAD v4.1: 6 of 1,613,036 alleles (0.00037%); highest among the groups gnomAD compares: East Asian, 0.013%; no homozygotes.

Submissions (2):

Labcorp Genetics (formerly Invitae), Labcorp
Classification: Uncertain significance for Baller-Gerold syndrome. Last evaluated: 2025-05-05. Review status: criteria provided, single submitter. Criteria: Invitae Variant Classification Sherloc (09022015). Collection method: clinical testing. Allele origin: germline.
Comment: This sequence change replaces alanine, which is neutral and non-polar, with threonine, which is neutral and polar, at codon 330 of the RECQL4 protein (p.Ala330Thr). This variant is present in population databases (rs757933716, gnomAD 0.01%). This variant has not been reported in the literature in individuals affected with RECQL4-related conditions. ClinVar contains an entry for this variant (Variation ID: 1019213). Invitae Evidence Modeling of protein sequence and biophysical properties (such as structural, functional, and spatial information, amino acid conservation, physicochemical variation, residue mobility, and thermodynamic stability) indicates that this missense variant is not expected to disrupt RECQL4 protein function with a negative predictive value of 80%. In summary, the available evidence is currently insufficient to determine the role of this variant in disease. Therefore, it has been classified as a Variant of Uncertain Significance.

Laboratory of Molecular Epidemiology of Birth Defects, West China Second University Hospital, Sichuan University
Classification: Benign for Ovarian cancer. Last evaluated: 2022-01-01. Review status: criteria provided, single submitter. Criteria: ACMG Guidelines, 2015. Collection method: clinical testing. Allele origin: germline. Affected: yes.